The following is an entry in ClinVar:

ClinVar aggregate classification (germline): Uncertain significance (1 of 4 stars; one submission).

Allele frequency attached by ClinVar (database versions not stated): gnomAD exomes 0.00003.
gnomAD v4.1: 8 of 1,441,202 alleles (0.00056%); highest among the groups gnomAD compares: Admixed American, 0.0026%; no homozygotes.

Submission:

Labcorp Genetics (formerly Invitae), Labcorp
Classification: Uncertain significance. Last evaluated: 2024-12-02. Review status: criteria provided, single submitter. Criteria: Invitae Variant Classification Sherloc (09022015). Collection method: clinical testing. Allele origin: germline.
Comment: This sequence change replaces arginine, which is basic and polar, with histidine, which is basic and polar, at codon 146 of the HMX1 protein (p.Arg146His). The frequency data for this variant in the population databases is considered unreliable, as metrics indicate poor data quality at this position in the gnomAD database. This variant has not been reported in the literature in individuals affected with HMX1-related conditions. ClinVar contains an entry for this variant (Variation ID: 846514). Invitae Evidence Modeling of protein sequence and biophysical properties (such as structural, functional, and spatial information, amino acid conservation, physicochemical variation, residue mobility, and thermodynamic stability) indicates that this missense variant is not expected to disrupt HMX1 protein function with a negative predictive value of 80%. In summary, the available evidence is currently insufficient to determine the role of this variant in disease. Therefore, it has been classified as a Variant of Uncertain Significance.

NM_018942.3(HMX1):c.437G>A (p.Arg146His)

Gene: HMX1 (H6 family homeobox 1; minus strand). Cytogenetic location: 4p16.1.
Variant type: single nucleotide variant.
Coding change: c.437G>A on transcript NM_018942.3 (MANE Select); coding-DNA position 437, G replaced by A.
Protein change: p.Arg146His; replaces arginine 146 with histidine.
Molecular consequence: missense variant. On other transcripts: intron variant (1).
Genome position (GRCh38, 1-based): chr4:8,868,303, C>T on the plus strand (G>A on the coding strand, the complement: HMX1 is on the minus strand). VCF-style: chr4-8868303-C-T. GRCh37 (hg19) VCF-style: chr4-8870029-C-T.
Other names: c.394+2918G>A (NM_001306142.2); short protein forms R146H.
Identifiers: ClinVar variation 846514 (VCV000846514.11), dbSNP rs1182757989, ClinGen allele CA356278614.